The following is an entry in ClinVar:

ClinVar aggregate classification (germline): Uncertain significance. Review status: criteria provided, multiple submitters, no conflicts (2 of 4 stars). 2 submissions from 2 submitters: Uncertain significance (2). Last evaluated 2020-11-15.

Conditions:
Autosomal recessive early-onset Parkinson disease 7. Identifiers: Orphanet 2828, MedGen C1853445, MONDO:0011658, OMIM 606324.

Allele frequency attached by ClinVar (database versions not stated): gnomAD 0.00001; TOPMed 0.00002.
gnomAD v4.1: 1 of 1,613,888 alleles (0.000062%); no homozygotes.

Submissions (2):

Labcorp Genetics (formerly Invitae), Labcorp
Classification: Uncertain significance for Autosomal recessive early-onset Parkinson disease 7. Last evaluated: 2020-11-15. Review status: criteria provided, single submitter. Criteria: Invitae Variant Classification Sherloc (09022015). Collection method: clinical testing. Allele origin: germline.
Comment: In summary, the available evidence is currently insufficient to determine the role of this variant in disease. Therefore, it has been classified as a Variant of Uncertain Significance. Algorithms developed to predict the effect of missense changes on protein structure and function (SIFT, PolyPhen-2, Align-GVGD) all suggest that this variant is likely to be tolerated, but these predictions have not been confirmed by published functional studies and their clinical significance is uncertain. This variant has not been reported in the literature in individuals with PARK7-related conditions. This variant is not present in population databases (ExAC no frequency). This sequence change replaces lysine with arginine at codon 132 of the PARK7 protein (p.Lys132Arg). The lysine residue is highly conserved and there is a small physicochemical difference between lysine and arginine.

Neuberg Centre For Genomic Medicine, NCGM
Classification: Uncertain significance for Autosomal recessive early-onset Parkinson disease 7. Review status: criteria provided, single submitter. Criteria: ACMG Guidelines, 2015. Collection method: clinical testing. Allele origin: germline. Inheritance: Autosomal recessive inheritance. Affected: yes.
Comment: The observed missense variant c.395A>Gp.Lys132Arg in the PARK7 gene has not been reported previously as a pathogenic variant nor as a benign variant, to our knowledge. This variant is absent in the gnomAD Exomes. This variant has been reported to the ClinVar database as Uncertain Significance. However, no details are available for independent assessment. The amino acid Lys at position 132 is changed to a Arg changing protein sequence and it might alter its composition and physico- chemical properties. Multiple lines of computational evidence SIFT - Damaging and MutationTaster - Disease causing predict a damaging effect on protein structure and function for this variant. The residue is conserved by GERP++ and PhyloP across 100 vertebrates. For these reasons, this variant has been classified as Uncertain Significance. In the absence of another reportable variant, the molecular diagnosis is not confirmed.

NM_007262.5(PARK7):c.395A>G (p.Lys132Arg)

Gene: PARK7 (Parkinsonism associated deglycase; plus strand). Cytogenetic location: 1p36.23.
Variant type: single nucleotide variant.
Coding change: c.395A>G on transcript NM_007262.5 (MANE Select); coding-DNA position 395, A replaced by G.
Protein change: p.Lys132Arg; replaces lysine 132 with arginine.
Molecular consequence: missense variant.
Genome position (GRCh38, 1-based): chr1:7,977,724, A>G. VCF-style: chr1-7977724-A-G. GRCh37 (hg19) VCF-style: chr1-8037784-A-G.
Other names: c.395A>G, p.Lys132Arg (NM_001123377.2); short protein forms K132R.
Identifiers: ClinVar variation 1419175 (VCV001419175.9), dbSNP rs1640614977, ClinGen allele CA338166435.